The following is an entry in ClinVar:

ClinVar aggregate classification (germline): Uncertain significance (1 of 4 stars; one submission).

Conditions:
Hajdu-Cheney syndrome (HJCYS). Also called: Acroosteolysis dominant type; SERPENTINE FIBULA-POLYCYSTIC KIDNEY SYNDROME; ACROOSTEOLYSIS WITH OSTEOPOROSIS AND CHANGES IN SKULL AND MANDIBLE. Identifiers: Orphanet 955, MedGen C0917715, MONDO:0007057, OMIM 102500.

gnomAD v4.1: 5 of 1,614,130 alleles (0.00031%); highest among the groups gnomAD compares: South Asian, 0.0022%; no homozygotes.

Submission:

Labcorp Genetics (formerly Invitae), Labcorp
Classification: Uncertain significance for Hajdu-Cheney syndrome. Last evaluated: 2024-07-17. Review status: criteria provided, single submitter. Criteria: Invitae Variant Classification Sherloc (09022015). Collection method: clinical testing. Allele origin: germline.
Comment: This sequence change replaces arginine, which is basic and polar, with cysteine, which is neutral and slightly polar, at codon 1563 of the NOTCH2 protein (p.Arg1563Cys). This variant is present in population databases (no rsID available, gnomAD 0.003%). This variant has not been reported in the literature in individuals affected with NOTCH2-related conditions. Advanced modeling of protein sequence and biophysical properties (such as structural, functional, and spatial information, amino acid conservation, physicochemical variation, residue mobility, and thermodynamic stability) performed at Invitae indicates that this missense variant is not expected to disrupt NOTCH2 protein function with a negative predictive value of 80%. In summary, the available evidence is currently insufficient to determine the role of this variant in disease. Therefore, it has been classified as a Variant of Uncertain Significance.

NM_024408.4(NOTCH2):c.4687C>T (p.Arg1563Cys)

Gene: NOTCH2 (notch receptor 2; minus strand). Cytogenetic location: 1p12.
Variant type: single nucleotide variant.
Coding change: c.4687C>T on transcript NM_024408.4 (MANE Select); coding-DNA position 4687, C replaced by T.
Protein change: p.Arg1563Cys; replaces arginine 1563 with cysteine.
Molecular consequence: missense variant.
Genome position (GRCh38, 1-based): chr1:119,923,809, G>A on the plus strand (C>T on the coding strand, the complement: NOTCH2 is on the minus strand). VCF-style: chr1-119923809-G-A. GRCh37 (hg19) VCF-style: chr1-120466432-G-A.
Other names: short protein forms R1563C.
Identifiers: ClinVar variation 3682874 (VCV003682874.2).